The following is an entry in ClinVar:

ClinVar aggregate classification (germline): Uncertain significance (1 of 4 stars; one submission).

Allele frequency attached by ClinVar (database versions not stated): gnomAD 0.00001; TOPMed 0.00002.
gnomAD v4.1: 12 of 1,613,250 alleles (0.00074%); highest among the groups gnomAD compares: South Asian, 0.0033%; no homozygotes.

Submission:

Labcorp Genetics (formerly Invitae), Labcorp
Classification: Uncertain significance. Last evaluated: 2025-02-24. Review status: criteria provided, single submitter. Criteria: Invitae Variant Classification Sherloc (09022015). Collection method: clinical testing. Allele origin: germline.
Comment: This sequence change replaces arginine, which is basic and polar, with histidine, which is basic and polar, at codon 1105 of the ADGRB2 protein (p.Arg1105His). This variant is present in population databases (no rsID available, gnomAD 0.003%). This variant has not been reported in the literature in individuals affected with ADGRB2-related conditions. ClinVar contains an entry for this variant (Variation ID: 2711262). Experimental studies and prediction algorithms are not available or were not evaluated, and the functional significance of this variant is currently unknown. In summary, the available evidence is currently insufficient to determine the role of this variant in disease. Therefore, it has been classified as a Variant of Uncertain Significance.

NM_001364857.2(ADGRB2):c.3314G>A (p.Arg1105His)

Gene: ADGRB2 (adhesion G protein-coupled receptor B2; minus strand). Cytogenetic location: 1p35.2.
Variant type: single nucleotide variant.
Coding change: c.3314G>A on transcript NM_001364857.2 (MANE Select); coding-DNA position 3314, G replaced by A.
Protein change: p.Arg1105His; replaces arginine 1105 with histidine.
Molecular consequence: missense variant.
Genome position (GRCh38, 1-based): chr1:31,735,619, C>T on the plus strand (G>A on the coding strand, the complement: ADGRB2 is on the minus strand). VCF-style: chr1-31735619-C-T. GRCh37 (hg19) VCF-style: chr1-32201220-C-T.
Other names: c.3314G>A, p.Arg1105His (NM_001294335.2, NM_001294336.2, NM_001703.2); short protein forms R1105H.
Identifiers: ClinVar variation 2711262 (VCV002711262.3), dbSNP rs902839902, ClinGen allele CA20168599.